The following is an entry in ClinVar:

ClinVar aggregate classification (germline): Uncertain significance (1 of 4 stars; one submission).

gnomAD v4.1: 6 of 1,613,840 alleles (0.00037%); highest among the groups gnomAD compares: Non-Finnish European, 0.00051%; no homozygotes.

Submission:

Labcorp Genetics (formerly Invitae), Labcorp
Classification: Uncertain significance. Last evaluated: 2025-07-21. Review status: criteria provided, single submitter. Criteria: Invitae Variant Classification Sherloc (09022015). Collection method: clinical testing. Allele origin: germline.
Comment: This sequence change replaces alanine, which is neutral and non-polar, with valine, which is neutral and non-polar, at codon 585 of the IMPG1 protein (p.Ala585Val). This variant is present in population databases (rs751000968, gnomAD 0.002%). This variant has not been reported in the literature in individuals affected with IMPG1-related conditions. ClinVar contains an entry for this variant (Variation ID: 3607613). An algorithm developed to predict the effect of missense changes on protein structure and function (PolyPhen-2) suggests that this variant is likely to be tolerated. In summary, the available evidence is currently insufficient to determine the role of this variant in disease. Therefore, it has been classified as a Variant of Uncertain Significance.

NM_001563.4(IMPG1):c.1754C>T (p.Ala585Val)

Gene: IMPG1 (interphotoreceptor matrix proteoglycan 1; minus strand). Cytogenetic location: 6q14.1.
Variant type: single nucleotide variant.
Coding change: c.1754C>T on transcript NM_001563.4 (MANE Select); coding-DNA position 1754, C replaced by T.
Protein change: p.Ala585Val; replaces alanine 585 with valine.
Molecular consequence: missense variant.
Genome position (GRCh38, 1-based): chr6:75,950,632, G>A on the plus strand (C>T on the coding strand, the complement: IMPG1 is on the minus strand). VCF-style: chr6-75950632-G-A. GRCh37 (hg19) VCF-style: chr6-76660349-G-A.
Other names: c.1520C>T, p.Ala507Val (NM_001282368.2); short protein forms A507V, A585V.
Identifiers: ClinVar variation 3607613 (VCV003607613.2).